The following is an entry in ClinVar:

ClinVar aggregate classification (germline): drug response. Review status: reviewed by expert panel (3 of 4 stars). 5 submissions from 4 submitters: drug response (1). 4 of the submissions do not count toward it. Last evaluated 2021-03-24.

Conditions:
Susceptibility to severe coronavirus disease (COVID-19) due to high levels of fibrinogen and C-reactive protein.
SMOKING AS A QUANTITATIVE TRAIT LOCUS 3 (SQTL3). Identifiers: MedGen C3150168, OMIM 612052.
LUNG CANCER SUSCEPTIBILITY 2 (LNCR2). Identifiers: MedGen C2677571, OMIM 612052.
Chronic obstructive pulmonary disease. Also called: Chronic pulmonary obstruction. Identifiers: MedGen C0024117, MeSH D029424, MONDO:0005002, OMIM 606963, HP:0006510.
nicotine response - Toxicity.

Allele frequency attached by ClinVar (database versions not stated): gnomAD 0.23879 and 0.24062; 1000 Genomes Project 0.14956; 1000 Genomes Project 30x 0.15069; gnomAD exomes 0.26424 and 0.30874; ExAC 0.26767; TOPMed 0.22407.
gnomAD v4.1: 486,724 of 1,613,800 alleles (30%); highest among the groups gnomAD compares: Middle Eastern, 37%; 79,728 homozygotes.

Submissions (5):

ClinPGx
Classification: drug response for nicotine response - Toxicity. Last evaluated: 2021-03-24. Review status: reviewed by expert panel. Criteria: Pharmacogenomics knowledge for personalized medicine. Collection method: curation. Allele origin: germline. Affected: yes.
Comment: PharmGKB Level of Evidence 2B: Variants in Level 2B clinical annotations are not in PharmGKB’s Tier 1 VIPs. These clinical annotations describe variant-drug combinations with a moderate level of evidence supporting the association. For example, the association may be found in multiple cohorts, but there may be a minority of studies that do not support the majority assertion. Level 2B clinical annotations must be supported by at least two independent publications.

Drug is not necessarily used to treat response condition

Allergology and Ecology Laboratory, University of Burdwan
Classification: Established risk allele for Chronic obstructive pulmonary disease. Last evaluated: 2025-07-20. Review status: no assertion criteria provided. Collection method: research. Allele origin: inherited. Affected: yes. Observed: 338 variant alleles, 286 heterozygotes, 52 homozygotes. Not counted in ClinVar's aggregate classification.
Comment: NM_000745.4 c.1192G>A (CHRNA5 rs16969968) polymorphism of CHRNA5 gene is situated in exon 5 which is found to be associated with Chronic Obstructive Pulmonary Disease (COPD) within the population of West Bengal, India. Statistical analysis revealed a significant association between the A allele and increased COPD susceptibility among smoker patients. In-silico analyses revealed that rs16969968 represents a deleterious and structural destabilizing variant of the CHRNA5 gene.The case-control based association study was conducted under research settings and the data represent population-level genetic association rather than clinical diagnostic evidence.

OMIM
Classification: risk factor for LUNG CANCER SUSCEPTIBILITY 2. Last evaluated: 2010-07-27. Review status: no assertion criteria provided. Collection method: literature only. Allele origin: germline. Not counted in ClinVar's aggregate classification.

OMIM
Classification: risk factor for NICOTINE DEPENDENCE, SUSCEPTIBILITY TO. Last evaluated: 2010-07-27. Review status: no assertion criteria provided. Collection method: literature only. Allele origin: germline. Not counted in ClinVar's aggregate classification.

Pneumogenomics Laboratory, Instituto Nacional de Enfermedades Respiratorias Ismael Cosio Villegas
Classification: Uncertain significance for Susceptibility to severe coronavirus disease (COVID-19) due to high levels of fibrinogen and C-reactive protein. Review status: no assertion criteria provided. Collection method: research. Allele origin: germline. Affected: yes. Observed: 115 variant alleles. Clinical features observed: Severe COVID-19. Not counted in ClinVar's aggregate classification.

Literature cited by the submitters: PubMed 18618000 (cited by ClinPGx); PubMed 19132693 (cited by ClinPGx); PubMed 19706762 (cited by ClinPGx); PubMed 20485328 (cited by ClinPGx); PubMed 20840187 (cited by ClinPGx); PubMed 20886544 (cited by ClinPGx); PubMed 21418140 (cited by ClinPGx); PubMed 22046326 (cited by ClinPGx); PubMed 22648373 (cited by ClinPGx); PubMed 24733007 (cited by ClinPGx); PubMed 27355804 (cited by ClinPGx); PubMed 29196725 (cited by ClinPGx); PubMed 29621993 (cited by ClinPGx); PubMed 29666375 (cited by ClinPGx); PubMed 30453884 (cited by ClinPGx); PubMed 31402126 (cited by ClinPGx); PubMed 31796940 (cited by ClinPGx); PubMed 18385738 (cited by OMIM); PubMed 18385739 (cited by OMIM); PubMed 19443489 (cited by OMIM); PubMed 20643934 (cited by OMIM).

NM_000745.4(CHRNA5):c.1192G>A (p.Asp398Asn)

Gene: CHRNA5 (cholinergic receptor nicotinic alpha 5 subunit; plus strand). Cytogenetic location: 15q25.1.
Variant type: single nucleotide variant.
Coding change: c.1192G>A on transcript NM_000745.4 (MANE Select); coding-DNA position 1192, G replaced by A.
Protein change: p.Asp398Asn; replaces aspartic acid 398 with asparagine.
Molecular consequence: missense variant. On other transcripts: intron variant (6).
Genome position (GRCh38, 1-based): chr15:78,590,583, G>A. VCF-style: chr15-78590583-G-A. GRCh37 (hg19) VCF-style: chr15-78882925-G-A.
Other names: CHRNA5, ASP398ASN, rs16969968; c.1115+77G>A (NM_001395171.1); c.713+479G>A (NM_001395173.1); c.707+485G>A (NM_001395174.1); c.591+601G>A (NM_001395172.1); c.458+734G>A (NM_001307945.2); c.455+734G>A (NM_001395175.1); short protein forms D398N.
Identifiers: ClinVar variation 17497 (VCV000017497.29), dbSNP rs16969968, ClinGen allele CA127232.